The following is an entry in ClinVar:

NM_001100.4(ACTA1):c.155_158del (p.Lys52fs)

Gene: ACTA1 (actin alpha 1, skeletal muscle; minus strand). Cytogenetic location: 1q42.13.
Variant type: Deletion.
Coding change: c.155_158del on transcript NM_001100.4 (MANE Select); coding-DNA positions 155 to 158, 4 bases deleted (AAGA; older notation c.155_158delAAGA).
Protein change: p.Lys52fs; shifts the reading frame from lysine 52.
Molecular consequence: frameshift variant.
Genome position (GRCh38, 1-based): chr1:229,432,852-229,432,855, TCTT deleted on the plus strand (AAGA on the coding strand, the reverse complement: ACTA1 is on the minus strand); deleting any 4 consecutive bases within chr1:229,432,852-229,432,858 gives the same sequence; the c. name uses the placement nearest the transcript's 3' end. VCF-style (leftmost placement, unchanged base first): chr1-229432851-ATCTT-A. GRCh37 (hg19) VCF-style: chr1-229568598-ATCTT-A.
Other names: short protein forms K52fs.
Identifiers: ClinVar variation 1069121 (VCV001069121.7), dbSNP rs1659979809, ClinGen allele CA1226125989.

ClinVar aggregate classification (germline): Pathogenic (1 of 4 stars; one submission).

Conditions:
Actin accumulation myopathy (CMYO2A). Also called: Myopathy, actin, congenital, with cores; Nemaline myopathy 3, with intranuclear rods; CONGENITAL MYOPATHY 2A, TYPICAL, AUTOSOMAL DOMINANT; Nemaline myopathy type 3; Myopathy, actin, congenital, with excess of thin myofilaments. Identifiers: Orphanet 98904, MedGen C3711389, MONDO:0008070, OMIM 161800.

Submission:

Labcorp Genetics (formerly Invitae), Labcorp
Classification: Pathogenic for Actin accumulation myopathy. Last evaluated: 2022-06-27. Review status: criteria provided, single submitter. Criteria: Invitae Variant Classification Sherloc (09022015). Collection method: clinical testing. Allele origin: germline.
Comment: This variant has not been reported in the literature in individuals affected with ACTA1-related conditions. ClinVar contains an entry for this variant (Variation ID: 1069121). For these reasons, this variant has been classified as Pathogenic. This variant is not present in population databases (gnomAD no frequency). This sequence change creates a premature translational stop signal (p.Lys52Ilefs*15) in the ACTA1 gene. It is expected to result in an absent or disrupted protein product. Loss-of-function variants in ACTA1 are known to be pathogenic (PMID: 19562689).

Literature cited by the submitters: PubMed 19562689.